The following is an entry in ClinVar:

NM_001942.4(DSG1):c.2993G>A (p.Gly998Asp)

Genes: DSG1 (desmoglein 1; plus strand), DSG1-AS1 (DSG1 antisense RNA 1; minus strand). Cytogenetic location: 18q12.1.
Variant type: single nucleotide variant.
Coding change: c.2993G>A on transcript NM_001942.4 (MANE Select); coding-DNA position 2993, G replaced by A.
Protein change: p.Gly998Asp; replaces glycine 998 with aspartic acid.
Molecular consequence: missense variant.
Genome position (GRCh38, 1-based): chr18:31,355,189, G>A. VCF-style: chr18-31355189-G-A. GRCh37 (hg19) VCF-style: chr18-28935152-G-A.
Other names: c.2993G>A (NM_001942.2, NM_001942.3); short protein forms G998D.
Identifiers: ClinVar variation 1408039 (VCV001408039.10), dbSNP rs750974492, ClinGen allele CA8926496.

ClinVar aggregate classification (germline): Uncertain significance. Review status: criteria provided, multiple submitters, no conflicts (2 of 4 stars). 4 submissions from 4 submitters: Uncertain significance (4). Last evaluated 2026-04-16.

Conditions:
Inborn genetic diseases. Identifiers: MedGen C0950123, MeSH D030342.
DSG1-related disorder. Also called: DSG1-related condition.

Allele frequency attached by ClinVar (database versions not stated): ExAC 0.00003; gnomAD 0.00003; gnomAD exomes 0.00003 and 0.00004; TOPMed 0.00003.
gnomAD v4.1: 66 of 1,602,980 alleles (0.0041%); highest among the groups gnomAD compares: African/African-American, 0.0053%; no homozygotes.

Submissions (4):

PreventionGenetics, part of Exact Sciences
Classification: Uncertain significance for DSG1-related condition. Last evaluated: 2026-04-16. Review status: criteria provided, single submitter. Criteria: ACMG Guidelines, 2015. Collection method: clinical testing. Allele origin: germline.
Comment: The DSG1 c.2993G>A variant is predicted to result in the amino acid substitution p.Gly998Asp. To our knowledge, this variant has not been reported in the literature. This variant is reported in 0.0057% of alleles in individuals of Latino descent in gnomAD. At this time, the clinical significance of this variant is uncertain due to the absence of conclusive functional and genetic evidence.

Ambry Genetics
Classification: Uncertain significance for Inborn genetic diseases. Last evaluated: 2025-08-05. Review status: criteria provided, single submitter. Criteria: Ambry Variant Classification Scheme 2023. Collection method: clinical testing. Allele origin: germline.

Labcorp Genetics (formerly Invitae), Labcorp
Classification: Uncertain significance. Last evaluated: 2025-07-30. Review status: criteria provided, single submitter. Criteria: Invitae Variant Classification Sherloc (09022015). Collection method: clinical testing. Allele origin: germline.
Comment: This sequence change replaces glycine, which is neutral and non-polar, with aspartic acid, which is acidic and polar, at codon 998 of the DSG1 protein (p.Gly998Asp). This variant is present in population databases (rs750974492, gnomAD 0.006%). This variant has not been reported in the literature in individuals affected with DSG1-related conditions. ClinVar contains an entry for this variant (Variation ID: 1408039). An algorithm developed to predict the effect of missense changes on protein structure and function (PolyPhen-2) suggests that this variant is likely to be disruptive. In summary, the available evidence is currently insufficient to determine the role of this variant in disease. Therefore, it has been classified as a Variant of Uncertain Significance.

Breakthrough Genomics
Classification: Uncertain significance. Review status: criteria provided, single submitter. Criteria: ACMG Guidelines, 2015. Collection method: not provided. Allele origin: germline. Inheritance: Autosomal recessive inheritance. Affected: yes.